The following is an entry in ClinVar:

NM_033380.3(COL4A5):c.321+5G>A

Gene: COL4A5 (collagen type IV alpha 5 chain; plus strand). Cytogenetic location: Xq22.3.
Variant type: single nucleotide variant.
Coding change: c.321+5G>A on transcript NM_033380.3 (MANE Select); 5 bases into the intron after coding-DNA position 321, G replaced by A.
Molecular consequence: intron variant.
Genome position (GRCh38, 1-based): chrX:108,568,678, G>A. VCF-style: chrX-108568678-G-A. GRCh37 (hg19) VCF-style: chrX-107811908-G-A.
Other names: c.321+5G>A (NM_000495.5).
Identifiers: ClinVar variation 1691826 (VCV001691826.1), dbSNP rs2147746317, ClinGen allele CA2573159169.

ClinVar aggregate classification (germline): Pathogenic (0 of 4 stars; one submission).

Conditions:
X-linked Alport syndrome (ATS1). Also called: NEPHROPATHY AND DEAFNESS, X-LINKED; COL4A5-Related Nephropathy. Identifiers: Orphanet 63, Orphanet 88917, MedGen C4746986, MONDO:0010520, OMIM 301050.

Submission:

Department of Nephropathy, Central South University Xiangya School of Medicine Affiliated Haikou Hospital
Classification: Pathogenic for X-linked Alport syndrome. Last evaluated: 2019-11-05. Review status: no assertion criteria provided. Collection method: clinical testing. Allele origin: germline. Affected: yes. Observed: 9 variant alleles.
Comment: This is a splicing variant. Furthur RT-PCR experiment indicated this mutation resulted in exon-skipping type alternative splicing.